The following is an entry in ClinVar:

ClinVar aggregate classification (germline): Uncertain significance. Review status: criteria provided, multiple submitters, no conflicts (2 of 4 stars). 2 submissions from 2 submitters: Uncertain significance (2). Last evaluated 2023-06-16.

Conditions:
Inborn genetic diseases. Identifiers: MedGen C0950123, MeSH D030342.

Allele frequency attached by ClinVar (database versions not stated): TOPMed below 0.00001.
gnomAD v4.1: 7 of 1,613,288 alleles (0.00043%); highest among the groups gnomAD compares: Non-Finnish European, 0.00059%; no homozygotes.

Submissions (2):

GeneDx
Classification: Uncertain significance. Last evaluated: 2023-06-16. Review status: criteria provided, single submitter. Criteria: GeneDx Variant Classification Process June 2021. Collection method: clinical testing. Allele origin: germline. Affected: yes.
Comment: Not observed at significant frequency in large population cohorts (gnomAD); In silico analysis supports that this missense variant does not alter protein structure/function; Has not been previously published as pathogenic or benign to our knowledge

Ambry Genetics
Classification: Uncertain significance for Inborn genetic diseases. Last evaluated: 2022-11-21. Review status: criteria provided, single submitter. Criteria: Ambry Variant Classification Scheme 2023. Collection method: clinical testing. Allele origin: germline.

NM_018129.4(PNPO):c.565G>C (p.Glu189Gln)

Gene: PNPO (pyridoxamine 5'-phosphate oxidase; plus strand). Cytogenetic location: 17q21.32.
Variant type: single nucleotide variant.
Coding change: c.565G>C on transcript NM_018129.4 (MANE Select); coding-DNA position 565, G replaced by C.
Protein change: p.Glu189Gln; replaces glutamic acid 189 with glutamine.
Molecular consequence: missense variant.
Genome position (GRCh38, 1-based): chr17:47,946,341, G>C. VCF-style: chr17-47946341-G-C. GRCh37 (hg19) VCF-style: chr17-46023707-G-C.
Other names: short protein forms E189Q.
Identifiers: ClinVar variation 2328677 (VCV002328677.3), dbSNP rs1039654112, ClinGen allele CA291296866.